The following is an entry in ClinVar:

NM_001401501.2(MUC16):c.37908G>A (p.Arg12636=)

Gene: MUC16 (mucin 16, cell surface associated; minus strand). Cytogenetic location: 19p13.2.
Variant type: single nucleotide variant.
Coding change: c.37908G>A on transcript NM_001401501.2 (MANE Select); coding-DNA position 37908, G replaced by A.
Protein change: p.Arg12636=; no amino-acid change (arginine 12636 retained).
Molecular consequence: synonymous variant.
Genome position (GRCh38, 1-based): chr19:8,907,776, C>T on the plus strand (G>A on the coding strand, the complement: MUC16 is on the minus strand). VCF-style: chr19-8907776-C-T. GRCh37 (hg19) VCF-style: chr19-9018452-C-T.
Other names: c.37788G>A, p.Arg12596= (NM_001414687.1); c.37722G>A, p.Arg12574= (NM_024690.2); c.38334G>A, p.Arg12778= (NM_001414686.1).
Identifiers: ClinVar variation 3051765 (VCV003051765.2), dbSNP rs528540244, ClinGen allele CA9164980.

ClinVar aggregate classification (germline): Benign (0 of 4 stars; one submission).

Conditions:
MUC16-related disorder. Also called: MUC16-related condition.

Allele frequency attached by ClinVar (database versions not stated): 1000 Genomes Project 30x 0.00219; 1000 Genomes Project 0.00240.

Submission:

PreventionGenetics, part of Exact Sciences
Classification: Benign for MUC16-related condition. Last evaluated: 2019-02-20. Review status: no assertion criteria provided. Collection method: clinical testing. Allele origin: germline.
Comment: This variant is classified as benign based on ACMG/AMP sequence variant interpretation guidelines (Richards et al. 2015 PMID: 25741868, with internal and published modifications).